The following is an entry in ClinVar:

NM_001199107.2(TBC1D24):c.259A>G (p.Ser87Gly)

Gene: TBC1D24 (TBC1 domain family member 24; plus strand). Cytogenetic location: 16p13.3.
Variant type: single nucleotide variant.
Coding change: c.259A>G on transcript NM_001199107.2 (MANE Select); coding-DNA position 259, A replaced by G.
Protein change: p.Ser87Gly; replaces serine 87 with glycine.
Molecular consequence: missense variant.
Genome position (GRCh38, 1-based): chr16:2,496,407, A>G. VCF-style: chr16-2496407-A-G. GRCh37 (hg19) VCF-style: chr16-2546408-A-G.
Other names: c.259A>G, p.Ser87Gly (NM_020705.3); short protein forms S87G.
Identifiers: ClinVar variation 1004991 (VCV001004991.9), dbSNP rs2065739291, ClinGen allele CA394375222.
Genomic context (GRCh38, chr16:2,496,407, plus strand): 5'-GTCACGCCTGACGCCAGCGTGTACAGCGACATCGTGGGCAAGATCGTGGGCAAGCACAGC[A>G]GCAGCTGCCTGCCGCTGCCCGAGTTCGTGGACAACACGCAGGTGCCCAGCTACTGCCTGA-3'
Protein context (NP_001186036.1, residues 77-97): IVGKIVGKHS[Ser87Gly]SCLPLPEFVD

ClinVar aggregate classification (germline): Uncertain significance (1 of 4 stars; one submission).

Conditions:
Developmental and epileptic encephalopathy, 1 (DEE1). Also called: X-linked infantile spasms; West's syndrome; Tonic spasms with clustering, arrest of psychomotor development and hypsarrhythmia on EEG; X-Linked Infantile Spasm Syndrome; OHTAHARA SYNDROME, X-LINKED; Epileptic encephalopathy, early infantile, 1. Identifiers: MedGen C3463992, MONDO:0010632, OMIM 308350. Disease mechanism: loss of function.
Autosomal dominant nonsyndromic hearing loss 65. Also called: Deafness, autosomal dominant 65; TBC1D24-Related Autosomal Dominant Nonsyndromic Hearing Loss (DFNA). Identifiers: Orphanet 90635, MedGen C3892048, MONDO:0014470, OMIM 616044.

Allele frequency attached by ClinVar (database versions not stated): gnomAD exomes 0.00001.
gnomAD v4.1: 11 of 1,613,124 alleles (0.00068%); highest among the groups gnomAD compares: Non-Finnish European, 0.00085%; no homozygotes.

Submission:

Labcorp Genetics (formerly Invitae), Labcorp
Classification: Uncertain significance for Developmental and epileptic encephalopathy, 1; Autosomal dominant nonsyndromic hearing loss 65. Last evaluated: 2023-08-24. Review status: criteria provided, single submitter. Criteria: Invitae Variant Classification Sherloc (09022015). Collection method: clinical testing. Allele origin: germline.
Comment: This sequence change replaces serine, which is neutral and polar, with glycine, which is neutral and non-polar, at codon 87 of the TBC1D24 protein (p.Ser87Gly). This variant is not present in population databases (gnomAD no frequency). This variant has not been reported in the literature in individuals affected with TBC1D24-related conditions. ClinVar contains an entry for this variant (Variation ID: 1004991). Advanced modeling of protein sequence and biophysical properties (such as structural, functional, and spatial information, amino acid conservation, physicochemical variation, residue mobility, and thermodynamic stability) performed at Invitae indicates that this missense variant is not expected to disrupt TBC1D24 protein function. In summary, the available evidence is currently insufficient to determine the role of this variant in disease. Therefore, it has been classified as a Variant of Uncertain Significance.